The following is an entry in ClinVar:

NM_002529.4(NTRK1):c.1501+2T>G

Gene: NTRK1 (neurotrophic receptor tyrosine kinase 1; plus strand). Cytogenetic location: 1q23.1.
Variant type: single nucleotide variant.
Coding change: c.1501+2T>G on transcript NM_002529.4 (MANE Select); the canonical splice donor site of the intron after coding-DNA position 1501, T replaced by G.
Molecular consequence: splice donor variant.
Genome position (GRCh38, 1-based): chr1:156,875,668, T>G. VCF-style: chr1-156875668-T-G. GRCh37 (hg19) VCF-style: chr1-156845460-T-G.
Other names: c.1393+2T>G (NM_001007792.1); c.1483+2T>G (NM_001012331.2).
Identifiers: ClinVar variation 1491926 (VCV001491926.8), dbSNP rs2102915741, ClinGen allele CA342937697.

ClinVar aggregate classification (germline): Likely pathogenic (1 of 4 stars; one submission).

Conditions:
Hereditary insensitivity to pain with anhidrosis (CIPA). Also called: HSAN Type IV; INSENSITIVITY TO PAIN, CONGENITAL, WITH ANHIDROSIS; NEUROPATHY, CONGENITAL SENSORY, WITH ANHIDROSIS; NTRK1 Congenital Insensitivity to Pain with Anhidrosis; FAMILIAL DYSAUTONOMIA, TYPE II; hereditary sensory and autonomic neuropathy type 4. Identifiers: Orphanet 642, MedGen C0020074, MONDO:0009746, OMIM 256800.

Submission:

Labcorp Genetics (formerly Invitae), Labcorp
Classification: Likely pathogenic for Hereditary insensitivity to pain with anhidrosis. Last evaluated: 2021-01-20. Review status: criteria provided, single submitter. Criteria: Invitae Variant Classification Sherloc (09022015). Collection method: clinical testing. Allele origin: germline.
Comment: In summary, the currently available evidence indicates that the variant is pathogenic, but additional data are needed to prove that conclusively. Therefore, this variant has been classified as Likely Pathogenic. Algorithms developed to predict the effect of sequence changes on RNA splicing suggest that this variant may disrupt the consensus splice site, but this prediction has not been confirmed by published transcriptional studies. This variant has not been reported in the literature in individuals with NTRK1-related conditions. This variant is not present in population databases (ExAC no frequency). This sequence change affects a donor splice site in intron 11 of the NTRK1 gene. It is expected to disrupt RNA splicing. Variants that disrupt the donor or acceptor splice site typically lead to a loss of protein function (PMID: 16199547), and loss-of-function variants in NTRK1 are known to be pathogenic (PMID: 10982191).

Literature cited by the submitters: PubMed 16199547; PubMed 10982191.